The following is an entry in ClinVar:

NM_080680.3(COL11A2):c.5035A>G (p.Ser1679Gly)

Gene: COL11A2 (collagen type XI alpha 2 chain; minus strand). Cytogenetic location: 6p21.32.
Variant type: single nucleotide variant.
Coding change: c.5035A>G on transcript NM_080680.3 (MANE Select); coding-DNA position 5035, A replaced by G.
Protein change: p.Ser1679Gly; replaces serine 1679 with glycine.
Molecular consequence: missense variant.
Genome position (GRCh38, 1-based): chr6:33,164,302, T>C on the plus strand (A>G on the coding strand, the complement: COL11A2 is on the minus strand). VCF-style: chr6-33164302-T-C. GRCh37 (hg19) VCF-style: chr6-33132079-T-C.
Other names: c.5035A>G (NM_080680.2); c.4855A>G, p.Ser1619Gly (NM_001424108.1); c.4189A>G, p.Ser1397Gly (NM_001424109.1); c.4009A>G, p.Ser1337Gly (NM_001424110.1, NM_001424111.1); c.2989A>G, p.Ser997Gly (NM_001424112.1); c.4714A>G, p.Ser1572Gly (NM_080679.3); c.4777A>G, p.Ser1593Gly (NM_080681.3); short protein forms S1337G, S1572G, S1593G, S1397G, S1679G, S1619G, S997G.
Identifiers: ClinVar variation 2746638 (VCV002746638.5), dbSNP rs1458674673, ClinGen allele CA363615925.

ClinVar aggregate classification (germline): Uncertain significance. Review status: criteria provided, multiple submitters, no conflicts (2 of 4 stars). 3 submissions from 3 submitters: Uncertain significance (3). Last evaluated 2025-05-20.

Conditions:
COL11A2-related disorder. Also called: COL11A2-related condition; COL11A2-related disorders.

Allele frequency attached by ClinVar (database versions not stated): gnomAD exomes below 0.00001; TOPMed below 0.00001; gnomAD 0.00001.
gnomAD v4.1: 2 of 1,612,868 alleles (0.00012%); highest among the groups gnomAD compares: East Asian, 0.0022%; no homozygotes.

Submissions (3):

PreventionGenetics, part of Exact Sciences
Classification: Uncertain significance for COL11A2-related condition. Last evaluated: 2025-05-20. Review status: criteria provided, single submitter. Criteria: ACMG Guidelines, 2015. Collection method: clinical testing. Allele origin: germline.
Comment: The COL11A2 c.5035A>G variant is predicted to result in the amino acid substitution p.Ser1679Gly. To our knowledge, this variant has not been reported in the literature or in a large population database (gnomAD), indicating this variant is rare. At this time, the clinical significance of this variant is uncertain due to the absence of conclusive functional and genetic evidence.

Labcorp Genetics (formerly Invitae), Labcorp
Classification: Uncertain significance. Last evaluated: 2023-11-28. Review status: criteria provided, single submitter. Criteria: Invitae Variant Classification Sherloc (09022015). Collection method: clinical testing. Allele origin: germline.
Comment: This sequence change replaces serine, which is neutral and polar, with glycine, which is neutral and non-polar, at codon 1679 of the COL11A2 protein (p.Ser1679Gly). This variant is not present in population databases (gnomAD no frequency). This variant has not been reported in the literature in individuals affected with COL11A2-related conditions. Advanced modeling of protein sequence and biophysical properties (such as structural, functional, and spatial information, amino acid conservation, physicochemical variation, residue mobility, and thermodynamic stability) performed at Invitae indicates that this missense variant is not expected to disrupt COL11A2 protein function with a negative predictive value of 95%. In summary, the available evidence is currently insufficient to determine the role of this variant in disease. Therefore, it has been classified as a Variant of Uncertain Significance.

Blueprint Genetics
Classification: Uncertain significance. Last evaluated: 2020-04-27. Review status: criteria provided, single submitter. Criteria: ACMG Guidelines, 2015. Collection method: clinical testing. Allele origin: germline.